The following is an entry in ClinVar:

ClinVar aggregate classification (germline): Uncertain significance (1 of 4 stars; one submission).

Conditions:
Autosomal recessive juvenile Parkinson disease 2. Also called: PRKN-Related Early-Onset Parkinson Disease; Parkinson disease, juvenile, type 2; PARKINSON DISEASE, JUVENILE, AUTOSOMAL RECESSIVE; Parkinson disease autosomal recessive, early onset; Juvenile parkinsonism; Parkinsonism, early onset, with diurnal fluctuation. Identifiers: Orphanet 2828, MedGen C1868675, MONDO:0010820, OMIM 600116.

Allele frequency attached by ClinVar (database versions not stated): gnomAD exomes below 0.00001; ExAC 0.00001.

Submission:

Victorian Clinical Genetics Services, Murdoch Childrens Research Institute
Classification: Uncertain significance for Autosomal recessive juvenile Parkinson disease 2. Last evaluated: 2020-05-25. Review status: criteria provided, single submitter. Criteria: ACMG Guidelines, 2015. Collection method: clinical testing. Allele origin: germline. Inheritance: Autosomal recessive inheritance. Affected: yes.
Comment: Based on the classification scheme VCGS_Germline_v1.1.1, this variant is classified as 3A-VUS. Following criteria are met: 0102 - Loss-of-function is a known mechanism of disease for this gene. (N) 0106 - This gene is known to be associated with autosomal recessive disease. (N) 0112 - Variants in this gene are known to have reduced penetrance. Reduced penetrance has been shown in at least one family (OMIM). (N) 0200 - Variant is predicted to result in a missense amino acid change from arginine to lysine (exon 4). (N) 0252 - Variant is homozygous. (N) 0304 - Variant is present in gnomAD <0.01 for a recessive condition (1 heterozygote, 0 homozygotes). (P) 0501 - Missense variant consistently predicted to be damaging by multiple in-silico tools with high conservation but a minor amino acid change. (P) 0601 - Variant affects an essential residue in the functional RING0 domain (PMID: 29967542; PMID: 26116755; PDB). Mutagenesis studies have showed that substitutions of residue Arg163 impacts protein function (PMID: 25284222; PMID: 26116755; PMID: 26161729; PMID: 29967542). (P) 0705 - No comparable variants have previous evidence for pathogenicity. (N) 0807 - Variant has not previously been reported in a clinical context. (N) 0905 - No segregation evidence has been identified for this variant. (N) 1007 - No published functional evidence has been identified for this variant. (N) 1208 - Inheritance information for this variant is not currently available. (N) Legend: (P) - Pathogenic, (N) - Neutral, (B) - Benign

Literature cited by the submitters: PubMed 25284222; PubMed 26116755; PubMed 26161729; PubMed 29967542.

NM_004562.3(PRKN):c.488G>A (p.Arg163Lys)

Genes: PRKN (parkin RBR E3 ubiquitin protein ligase; minus strand), LOC126859871 (MED14-independent group 3 enhancer GRCh37_chr6:162621359-162622558; plus strand). Cytogenetic location: 6q26.
Variant type: single nucleotide variant.
Coding change: c.488G>A on transcript NM_004562.3 (MANE Select); coding-DNA position 488, G replaced by A.
Protein change: p.Arg163Lys; replaces arginine 163 with lysine.
Molecular consequence: missense variant. On other transcripts: intron variant (1).
Genome position (GRCh38, 1-based): chr6:162,201,177, C>T on the plus strand (G>A on the coding strand, the complement: PRKN is on the minus strand). VCF-style: chr6-162201177-C-T. GRCh37 (hg19) VCF-style: chr6-162622209-C-T.
Other names: c.488G>A, p.Arg163Lys (NM_013987.3); c.172-227760G>A (NM_013988.3); short protein forms R163K.
Identifiers: ClinVar variation 1805773 (VCV001805773.1), dbSNP rs772798796, ClinGen allele CA4090349.